The following is an entry in ClinVar:

NM_015450.3(POT1):c.1139T>A (p.Leu380His)

Gene: POT1 (protection of telomeres 1; minus strand). Cytogenetic location: 7q31.33.
Variant type: single nucleotide variant.
Coding change: c.1139T>A on transcript NM_015450.3 (MANE Select); coding-DNA position 1139, T replaced by A.
Protein change: p.Leu380His; replaces leucine 380 with histidine.
Molecular consequence: missense variant. On other transcripts: non-coding transcript variant (3).
Genome position (GRCh38, 1-based): chr7:124,842,831, A>T on the plus strand (T>A on the coding strand, the complement: POT1 is on the minus strand). VCF-style: chr7-124842831-A-T. GRCh37 (hg19) VCF-style: chr7-124482885-A-T.
Other names: c.746T>A, p.Leu249His (NM_001042594.2); short protein forms L249H, L380H.
Identifiers: ClinVar variation 1338081 (VCV001338081.4), dbSNP rs2116467460, ClinGen allele CA369068173.

ClinVar aggregate classification (germline): Uncertain significance (1 of 4 stars; one submission).

Submission:

Genetic Services Laboratory, University of Chicago
Classification: Uncertain significance. Last evaluated: 2021-09-21. Review status: criteria provided, single submitter. Criteria: ACMG Guidelines, 2015. Collection method: clinical testing. Allele origin: germline. Affected: no.
Comment: This sequence change does not appear to have been previously described in patients with POT1-related disorders and has not been described in the population databases such as ExAC and gnomAD. The p.Leu380His change affects a highly conserved amino acid residue located in a domain of the POT1 protein that is not known to be functional. The p.Leu380His substitution appears to be deleterious using several in-silico pathogenicity prediction tools (SIFT, PolyPhen2, Align GVGD, REVEL). Due to this insufficient evidence and the lack of functional studies, the clinical significance of the p.Leu380His change remains unknown at this time.